The following is an entry in ClinVar:

NM_001436401.1:c.1686G>T

Gene: NOBOX (NOBOX oogenesis homeobox; minus strand).
Variant type: single nucleotide variant.
Other names: p.E562X; c.1686G>T (NM_001436401.1).
Identifiers: ClinVar variation 4849889 (VCV004849889.1).

ClinVar aggregate classification (germline): Uncertain significance (1 of 4 stars; one submission).

Conditions:
Premature ovarian failure 5 (POF5). Identifiers: MedGen C1969060, MONDO:0012689, OMIM 611548.

Submission:

Department of Molecular Genetics, Istishari Arab Hospital
Classification: Uncertain significance for Premature ovarian failure 5. Last evaluated: 2026-04-29. Review status: criteria provided, single submitter. Criteria: ACMG Guidelines, 2015. Collection method: clinical testing. Allele origin: germline. Inheritance: Autosomal dominant inheritance. Affected: yes.
Comment: The NOBOX variant c.2035G>T, p.Glu679* creates an amino acid change at position 679 in the last exon (exon no. 10 out of 10 exons) of the NOBOX gene, which is predicted to result in premature termination. This variant is not found in the gnomAD database and, to the best of our knowledge, has not been reported in the literature. It is classified as a variant of uncertain significance according to the recommendations of ACMG/AMP/ClinGen SVI guidelines